The following is an entry in ClinVar:

NM_173648.4(CCDC141):c.4174A>T (p.Ile1392Phe)

Gene: CCDC141 (coiled-coil domain containing 141; minus strand). Cytogenetic location: 2q31.2.
Variant type: single nucleotide variant.
Coding change: c.4174A>T on transcript NM_173648.4 (MANE Select); coding-DNA position 4174, A replaced by T.
Protein change: p.Ile1392Phe; replaces isoleucine 1392 with phenylalanine.
Molecular consequence: missense variant.
Genome position (GRCh38, 1-based): chr2:178,837,045, T>A on the plus strand (A>T on the coding strand, the complement: CCDC141 is on the minus strand). VCF-style: chr2-178837045-T-A. GRCh37 (hg19) VCF-style: chr2-179701772-T-A.
Other names: short protein forms I1392F.
Identifiers: ClinVar variation 2840536 (VCV002840536.3), dbSNP rs1275066432, ClinGen allele CA349548585.

ClinVar aggregate classification (germline): Uncertain significance (1 of 4 stars; one submission).

gnomAD v4.1: 1 of 1,614,024 alleles (0.000062%); highest among the groups gnomAD compares: Non-Finnish European, 0.000085%; no homozygotes.

Submission:

Labcorp Genetics (formerly Invitae), Labcorp
Classification: Uncertain significance. Last evaluated: 2023-10-22. Review status: criteria provided, single submitter. Criteria: Invitae Variant Classification Sherloc (09022015). Collection method: clinical testing. Allele origin: germline.
Comment: This sequence change replaces isoleucine, which is neutral and non-polar, with phenylalanine, which is neutral and non-polar, at codon 1392 of the CCDC141 protein (p.Ile1392Phe). This variant is not present in population databases (gnomAD no frequency). This variant has not been reported in the literature in individuals affected with CCDC141-related conditions. An algorithm developed to predict the effect of missense changes on protein structure and function (PolyPhen-2) suggests that this variant is likely to be disruptive. In summary, the available evidence is currently insufficient to determine the role of this variant in disease. Therefore, it has been classified as a Variant of Uncertain Significance.